The following is an entry in ClinVar:

NM_007194.4(CHEK2):c.518A>G (p.Glu173Gly)

Gene: CHEK2 (checkpoint kinase 2; minus strand). Cytogenetic location: 22q12.1.
Variant type: single nucleotide variant.
Coding change: c.518A>G on transcript NM_007194.4 (MANE Select); coding-DNA position 518, A replaced by G.
Protein change: p.Glu173Gly; replaces glutamic acid 173 with glycine.
Molecular consequence: missense variant. On other transcripts: intron variant (1), 5 prime UTR variant (2).
Genome position (GRCh38, 1-based): chr22:28,725,051, T>C on the plus strand (A>G on the coding strand, the complement: CHEK2 is on the minus strand). VCF-style: chr22-28725051-T-C. GRCh37 (hg19) VCF-style: chr22-29121039-T-C.
Other names: c.611A>G, p.Glu204Gly (NM_001438295.1, NM_001438293.1); c.518A>G, p.Glu173Gly (NM_145862.3); c.445-128A>G (NM_001349956.3); c.647A>G, p.Glu216Gly (NM_001005735.3, NM_001438294.1); c.-260A>G (NM_001257387.3); c.-146A>G (NM_001437942.1); short protein forms E173G, E216G, E204G.
Identifiers: ClinVar variation 825521 (VCV000825521.4), dbSNP rs1601823504, ClinGen allele CA411107350.
Genomic context (GRCh38, chr22:28,725,051, plus strand): 5'-AGTGACAGTGCAATTTCAGAATTGTTATTCAAAGGACGGCGTTTTCCTTTCCCTACAAGC[T>C]CTGTATTTACAAAGGTTCCATTGCCACTGTGATCTTCTATGTATGCAATGTAAGAGTTTT-3'
Protein context (NP_009125.1, residues 163-183): HSGNGTFVNT[Glu173Gly]LVGKGKRRPL

ClinVar aggregate classification (germline): Uncertain significance (1 of 4 stars; one submission).

Conditions:
Hereditary cancer-predisposing syndrome. Also called: Neoplastic Syndromes, Hereditary; Tumor predisposition; Hereditary neoplastic syndrome; Hereditary Cancer Syndrome. Identifiers: Orphanet 140162, MedGen C0027672, MeSH D009386, MONDO:0015356.

Submission:

Ambry Genetics
Classification: Uncertain significance for Hereditary cancer-predisposing syndrome. Last evaluated: 2019-03-06. Review status: criteria provided, single submitter. Criteria: Ambry Variant Classification Scheme 2023. Collection method: clinical testing. Allele origin: germline.
Comment: The p.E173G variant (also known as c.518A>G), located in coding exon 3 of the CHEK2 gene, results from an A to G substitution at nucleotide position 518. The glutamic acid at codon 173 is replaced by glycine, an amino acid with similar properties. This amino acid position is well conserved in available vertebrate species. In addition, the in silico prediction for this alteration is inconclusive. Since supporting evidence is limited at this time, the clinical significance of this alteration remains unclear.